The following is an entry in ClinVar:

NM_001100.4(ACTA1):c.402G>A (p.Met134Ile)

Gene: ACTA1 (actin alpha 1, skeletal muscle; minus strand). Cytogenetic location: 1q42.13.
Variant type: single nucleotide variant.
Coding change: c.402G>A on transcript NM_001100.4 (MANE Select); coding-DNA position 402, G replaced by A.
Protein change: p.Met134Ile; replaces methionine 134 with isoleucine.
Molecular consequence: missense variant.
Genome position (GRCh38, 1-based): chr1:229,432,608, C>T on the plus strand (G>A on the coding strand, the complement: ACTA1 is on the minus strand). VCF-style: chr1-229432608-C-T. GRCh37 (hg19) VCF-style: chr1-229568355-C-T.
Other names: short protein forms M134I.
Identifiers: ClinVar variation 464122 (VCV000464122.50), dbSNP rs1553255486, ClinGen allele CA345149353.

ClinVar aggregate classification (germline): Likely pathogenic. Review status: criteria provided, multiple submitters, no conflicts (2 of 4 stars). 2 submissions from 2 submitters: Likely pathogenic (2). Last evaluated 2017-12-01.

Conditions:
Actin accumulation myopathy (CMYO2A). Also called: Myopathy, actin, congenital, with cores; Nemaline myopathy 3, with intranuclear rods; Nemaline myopathy type 3; Myopathy, actin, congenital, with excess of thin myofilaments; CONGENITAL MYOPATHY 2A, TYPICAL, AUTOSOMAL DOMINANT. Identifiers: Orphanet 98904, MedGen C3711389, MONDO:0008070, OMIM 161800.

Submissions (2):

CeGaT Center for Human Genetics Tuebingen
Classification: Likely pathogenic. Last evaluated: 2017-12-01. Review status: criteria provided, single submitter. Criteria: CeGaT Center For Human Genetics Tuebingen Variant Classification Criteria Version 2. Collection method: clinical testing. Allele origin: germline. Affected: yes. Observed: 1 variant allele.

Labcorp Genetics (formerly Invitae), Labcorp
Classification: Likely pathogenic for Actin accumulation myopathy. Last evaluated: 2017-03-28. Review status: criteria provided, single submitter. Criteria: Invitae Variant Classification Sherloc (09022015). Collection method: clinical testing. Allele origin: germline.
Comment: In summary, this variant is a rare missense change that has been observed in an affected individual and segregates in a single family with ACTA1 related conditions. This evidence indicates that the variant is pathogenic, but additional data is needed to prove that conclusively. Therefore, this variant has been classified as Likely Pathogenic. A different missense substitution at this codon (p.Met134Val, also known as p.Met132Val) has been determined to be likely pathogenic (PMID: 19562689, 10508519, 15226407, 14733965). This suggests that the methionine residue is critical for ACTA1 protein function and that other missense substitutions at this position may also be pathogenic. Algorithms developed to predict the effect of missense changes on protein structure and function (SIFT, PolyPhen-2, Align-GVGD) all suggest that this variant is likely to be tolerated, but these predictions have not been confirmed by published functional studies. This variant has been reported in an individual affected with typical nemaline myopathy (PMID: 19562689). This variant has been seen to segregate with nemaline rod myopathy in a single family (Invitae). This variant is not present in population databases (ExAC no frequency). This sequence change replaces methionine with isoleucine at codon 134 of the ACTA1 protein (p.Met134Ile). The methionine residue is highly conserved and there is a small physicochemical difference between methionine and isoleucine.

Literature cited by the submitters: PubMed 19562689 (cited by Labcorp Genetics (formerly Invitae), Labcorp); PubMed 10508519 (cited by Labcorp Genetics (formerly Invitae), Labcorp); PubMed 15226407 (cited by Labcorp Genetics (formerly Invitae), Labcorp); PubMed 14733965 (cited by Labcorp Genetics (formerly Invitae), Labcorp).